The following is an entry in ClinVar:

NM_001039958.2(MESP2):c.11C>A (p.Ser4Ter)

Gene: MESP2 (mesoderm posterior bHLH transcription factor 2; plus strand). Cytogenetic location: 15q26.1.
Variant type: single nucleotide variant.
Coding change: c.11C>A on transcript NM_001039958.2 (MANE Select); coding-DNA position 11, C replaced by A.
Protein change: p.Ser4Ter; replaces serine 4 with a stop codon.
Molecular consequence: nonsense.
Genome position (GRCh38, 1-based): chr15:89,776,368, C>A. VCF-style: chr15-89776368-C-A. GRCh37 (hg19) VCF-style: chr15-90319599-C-A.
Other names: short protein forms S4*.
Identifiers: ClinVar variation 554878 (VCV000554878.13), dbSNP rs1555439013, ClinGen allele CA393768617.

ClinVar aggregate classification (germline): Pathogenic/Likely pathogenic. Review status: criteria provided, multiple submitters, no conflicts (2 of 4 stars). 5 submissions from 5 submitters: Pathogenic (1); Likely pathogenic (3). 1 of the submissions does not count toward it. Last evaluated 2026-03-10.

Conditions:
Inborn genetic diseases. Identifiers: MedGen C0950123, MeSH D030342.
Spondylocostal dysostosis 2, autosomal recessive (SCDO2). Also called: Spondylocostal dysostosis type 2; MESP2-Related Spondylocostal Dysostosis, Autosomal Recessive. Identifiers: Orphanet 2311, MedGen C1837549, MONDO:0012097, OMIM 608681.

Allele frequency attached by ClinVar (database versions not stated): TOPMed 0.00001.

Submissions (5):

Ambry Genetics
Classification: Likely pathogenic for Inborn genetic diseases. Last evaluated: 2026-03-10. Review status: criteria provided, single submitter. Criteria: Ambry Variant Classification Scheme 2023. Collection method: clinical testing. Allele origin: germline.
Comment: The c.11C>A (p.S4*) alteration, located in exon 1 (coding exon 1) of the MESP2 gene, consists of a C to A substitution at nucleotide position 11. This changes the amino acid from a serine (S) to a stop codon at amino acid position 4. The predicted stop codon occurs in the 5' end of the MESP2 gene. Premature termination codons in the 5&rsquo; end of a gene have been reported to escape nonsense-mediated mRNA decay and/or lead to re-initiation (Rivas, 2015; Lindeboom, 2016; Rhee, 2017). Direct evidence for this variant is unavailable; however, premature termination codons are typically deleterious in nature. This variant was not reported in population-based cohorts in the Genome Aggregation Database (gnomAD). Based on the available evidence, this alteration is classified as likely pathogenic.

Labcorp Genetics (formerly Invitae), Labcorp
Classification: Pathogenic. Last evaluated: 2025-09-24. Review status: criteria provided, single submitter. Criteria: Invitae Variant Classification Sherloc (09022015). Collection method: clinical testing. Allele origin: germline.
Comment: This sequence change creates a premature translational stop signal (p.Ser4*) in the MESP2 gene. It is expected to result in an absent or disrupted protein product. Loss-of-function variants in MESP2 are known to be pathogenic (PMID: 9242490, 18485326). This variant is not present in population databases (gnomAD no frequency). This variant has not been reported in the literature in individuals affected with MESP2-related conditions. ClinVar contains an entry for this variant (Variation ID: 554878). For these reasons, this variant has been classified as Pathogenic.

Natera, Inc.
Classification: Likely pathogenic for Spondylocostal dysostosis type 2. Last evaluated: 2024-12-19. Review status: criteria provided, single submitter. Criteria: Natera Variant Classification Schema (03/2026). Collection method: clinical testing. Allele origin: germline.
Comment: The c.11C>A variant in MESP2 is a nonsense variant predicted to introduce a stop codon at amino acid 4. This variant is expected to result in nonsense mediated decay, truncation, or a dysfunctional protein product. This variant is rare in the general population with a frequency below the threshold expected for the associated phenotype(s). Given the available evidence, this variant is classified as Likely Pathogenic.

Women's Health and Genetics/Laboratory Corporation of America, LabCorp
Classification: Likely pathogenic for Spondylocostal dysostosis 2, autosomal recessive. Last evaluated: 2023-01-11. Review status: criteria provided, single submitter. Criteria: LabCorp Variant Classification Summary - May 2015. Collection method: clinical testing. Allele origin: germline.
Comment: Variant summary: MESP2 c.11C>A (p.Ser4X) results in a premature termination codon, predicted to cause a truncation of the encoded protein or absence of the protein due to nonsense mediated decay, which are commonly known mechanisms for disease. Truncations downstream of this position have been classified as pathogenic within ClinVar (e.g. c.116C>A [p.Ser39Ter], c.258_261del [p.Glu88fs]). The variant was absent in 126698 control chromosomes (gnomAD). To our knowledge, no occurrence of c.11C>A in individuals affected with Spondylocostal Dysostosis 2 and no experimental evidence demonstrating its impact on protein function have been reported. Two ClinVar submitters have assessed the variant since 2014: one classified the variant as likely pathogenic and one as pathogenic. Based on the evidence outlined above, the variant was classified as likely pathogenic.

Counsyl
Classification: Likely pathogenic for Spondylocostal dysostosis 2, autosomal recessive. Last evaluated: 2017-11-08. Review status: no assertion criteria provided. Collection method: clinical testing. Allele origin: unknown. Not counted in ClinVar's aggregate classification.

Literature cited by the submitters: PubMed 9242490 (cited by Labcorp Genetics (formerly Invitae), Labcorp); PubMed 18485326 (cited by Labcorp Genetics (formerly Invitae), Labcorp).